The following is an entry in ClinVar:

ClinVar aggregate classification (germline): Uncertain significance (1 of 4 stars; one submission).

Allele frequency attached by ClinVar (database versions not stated): gnomAD 0.00003 and 0.00004; gnomAD exomes 0.00003 and 0.00016; TOPMed 0.00008; ExAC 0.00017.
gnomAD v4.1: 47 of 1,613,610 alleles (0.0029%); highest among the groups gnomAD compares: Admixed American, 0.077%; no homozygotes.

Submission:

Labcorp Genetics (formerly Invitae), Labcorp
Classification: Uncertain significance. Last evaluated: 2022-09-27. Review status: criteria provided, single submitter. Criteria: Invitae Variant Classification Sherloc (09022015). Collection method: clinical testing. Allele origin: germline.
Comment: This sequence change replaces lysine, which is basic and polar, with glutamic acid, which is acidic and polar, at codon 4 of the SLC24A5 protein (p.Lys4Glu). This variant is present in population databases (rs550245060, gnomAD 0.1%). This variant has not been reported in the literature in individuals affected with SLC24A5-related conditions. ClinVar contains an entry for this variant (Variation ID: 1496869). Algorithms developed to predict the effect of missense changes on protein structure and function output the following: SIFT: "Tolerated"; PolyPhen-2: "Benign"; Align-GVGD: "Class C0". The glutamic acid amino acid residue is found in multiple mammalian species, which suggests that this missense change does not adversely affect protein function. In summary, the available evidence is currently insufficient to determine the role of this variant in disease. Therefore, it has been classified as a Variant of Uncertain Significance.

NM_205850.3(SLC24A5):c.10A>G (p.Lys4Glu)

Gene: SLC24A5 (solute carrier family 24 member 5; plus strand). Cytogenetic location: 15q21.1.
Variant type: single nucleotide variant.
Coding change: c.10A>G on transcript NM_205850.3 (MANE Select); coding-DNA position 10, A replaced by G.
Protein change: p.Lys4Glu; replaces lysine 4 with glutamic acid.
Molecular consequence: missense variant.
Genome position (GRCh38, 1-based): chr15:48,121,054, A>G. VCF-style: chr15-48121054-A-G. GRCh37 (hg19) VCF-style: chr15-48413251-A-G.
Other names: short protein forms K4E.
Identifiers: ClinVar variation 1496869 (VCV001496869.3), dbSNP rs550245060, ClinGen allele CA7545729.